The following is an entry in ClinVar:

NM_025114.4(CEP290):c.1288G>C (p.Ala430Pro)

Gene: CEP290 (centrosomal protein 290; minus strand). Cytogenetic location: 12q21.32.
Variant type: single nucleotide variant.
Coding change: c.1288G>C on transcript NM_025114.4 (MANE Select); coding-DNA position 1288, G replaced by C.
Protein change: p.Ala430Pro; replaces alanine 430 with proline.
Molecular consequence: missense variant.
Genome position (GRCh38, 1-based): chr12:88,121,068, C>G on the plus strand (G>C on the coding strand, the complement: CEP290 is on the minus strand). VCF-style: chr12-88121068-C-G. GRCh37 (hg19) VCF-style: chr12-88514845-C-G.
Other names: c.1288G>C (NM_025114.3); short protein forms A430P.
Identifiers: ClinVar variation 1497940 (VCV001497940.8), dbSNP rs767366207, ClinGen allele CA6712586.
Genomic context (GRCh38, chr12:88,121,068, plus strand): 5'-CTTTTAACCTCTTCAGAGCCTCAACTAATTCTTTATCCTTTTCCCTAGCATCAGCCTCAG[C>G]CAGTTCAGCTGTTCTCTCAGCCTCTTTAGTTTTCTCTTTTAAAATGTCTAACGTTGACTG-3'
Protein context (NP_079390.3, residues 420-440): TKEAERTAEL[Ala430Pro]EADAREKDKE

ClinVar aggregate classification (germline): Uncertain significance. Review status: criteria provided, multiple submitters, no conflicts (2 of 4 stars). 4 submissions from 4 submitters: Uncertain significance (3). 1 of the submissions does not count toward it. Last evaluated 2024-08-28.

Conditions:
Inborn genetic diseases. Identifiers: MedGen C0950123, MeSH D030342.
CEP290-related disorder. Also called: CEP290-related condition; CEP290-related disorders. Identifiers: MedGen CN239314.
Meckel-Gruber syndrome. Also called: DYSENCEPHALIA SPLANCHNOCYSTICA; GRUBER SYNDROME; Dysencephalia splachnocystica. Identifiers: Orphanet 564, MedGen C0265215, MONDO:0018921.
Joubert syndrome. Also called: JOUBERT-BOLTSHAUSER SYNDROME; Familial aplasia of the vermis. Identifiers: Orphanet 475, MedGen C5979921, MONDO:0018772.
Nephronophthisis. Also called: Juvenile Nephronophthisis. Identifiers: Orphanet 655, MedGen C0687120, MONDO:0019005, HP:0000090.

Allele frequency attached by ClinVar (database versions not stated): ExAC 0.00001; gnomAD exomes 0.00002; TOPMed 0.00003.
gnomAD v4.1: 41 of 1,613,442 alleles (0.0025%); highest among the groups gnomAD compares: Non-Finnish European, 0.0032%; no homozygotes.

Submissions (4):

Ambry Genetics
Classification: Uncertain significance for Inborn genetic diseases. Last evaluated: 2024-08-28. Review status: criteria provided, single submitter. Criteria: Ambry Variant Classification Scheme 2023. Collection method: clinical testing. Allele origin: germline.

Blueprint Genetics
Classification: Uncertain significance. Last evaluated: 2024-01-18. Review status: criteria provided, single submitter. Criteria: ACMG Guidelines, 2015. Collection method: clinical testing. Allele origin: germline.

Labcorp Genetics (formerly Invitae), Labcorp
Classification: Uncertain significance for Joubert syndrome; Meckel-Gruber syndrome; Nephronophthisis. Last evaluated: 2022-07-06. Review status: criteria provided, single submitter. Criteria: Invitae Variant Classification Sherloc (09022015). Collection method: clinical testing. Allele origin: germline.
Comment: This sequence change replaces alanine, which is neutral and non-polar, with proline, which is neutral and non-polar, at codon 430 of the CEP290 protein (p.Ala430Pro). This variant is present in population databases (rs767366207, gnomAD 0.004%). This variant has not been reported in the literature in individuals affected with CEP290-related conditions. ClinVar contains an entry for this variant (Variation ID: 1497940). Algorithms developed to predict the effect of missense changes on protein structure and function are either unavailable or do not agree on the potential impact of this missense change (SIFT: "Deleterious"; PolyPhen-2: "Probably Damaging"; Align-GVGD: "Class C0"). In summary, the available evidence is currently insufficient to determine the role of this variant in disease. Therefore, it has been classified as a Variant of Uncertain Significance.

PreventionGenetics, part of Exact Sciences
Classification: Uncertain significance for CEP290-related condition. Last evaluated: 2024-09-10. Review status: no assertion criteria provided. Collection method: clinical testing. Allele origin: germline. Not counted in ClinVar's aggregate classification.
Comment: The CEP290 c.1288G>C variant is predicted to result in the amino acid substitution p.Ala430Pro. To our knowledge, this variant has not been reported in the literature. This variant is reported in 0.0041% of alleles in individuals of African descent in gnomAD. At this time, the clinical significance of this variant is uncertain due to the absence of conclusive functional and genetic evidence.